The following is an entry in ClinVar:

NM_025207.5(FLAD1):c.503A>T (p.Asn168Ile)

Gene: FLAD1 (flavin adenine dinucleotide synthetase 1; plus strand). Cytogenetic location: 1q21.3.
Variant type: single nucleotide variant.
Coding change: c.503A>T on transcript NM_025207.5 (MANE Select); coding-DNA position 503, A replaced by T.
Protein change: p.Asn168Ile; replaces asparagine 168 with isoleucine.
Molecular consequence: missense variant.
Genome position (GRCh38, 1-based): chr1:154,988,235, A>T. VCF-style: chr1-154988235-A-T. GRCh37 (hg19) VCF-style: chr1-154960711-A-T.
Other names: c.503A>T (NM_025207.4); c.212A>T, p.Asn71Ile (NM_001184891.2, NM_201398.3); c.206A>T, p.Asn69Ile (NM_001184892.2); short protein forms N168I, N69I, N71I.
Identifiers: ClinVar variation 1538279 (VCV001538279.9), dbSNP rs150372864, ClinGen allele CA1134340.
Genomic context (GRCh38, chr1:154,988,235, plus strand): 5'-GAGTCTCAGTTGTACCTGATGAGGTAGCCACCATTGCAGCTGAGGTCACTTCTTTCTCCA[A>T]CCGCTTCACCCATGTCCTCACAGCAGGGGGCATCGGCCCCACTCATGATGATGTGACCTT-3'
Protein context (NP_079483.3, residues 158-178): TIAAEVTSFS[Asn168Ile]RFTHVLTAGG

ClinVar aggregate classification (germline): Conflicting classifications of pathogenicity. Review status: criteria provided, conflicting classifications (1 of 4 stars). 2 submissions from 2 submitters: Uncertain significance (1); Likely benign (1). Last evaluated 2025-12-22.

Allele frequency attached by ClinVar (database versions not stated): ESP Exome Variant Server 0.00038; 1000 Genomes Project 30x 0.00047; 1000 Genomes Project 0.00060.
gnomAD v4.1: 564 of 1,614,046 alleles (0.035%); highest among the groups gnomAD compares: South Asian, 0.22%; 2 homozygotes.

Submissions (2):

Labcorp Genetics (formerly Invitae), Labcorp
Classification: Likely benign. Last evaluated: 2025-12-22. Review status: criteria provided, single submitter. Criteria: Invitae Variant Classification Sherloc (09022015). Collection method: clinical testing. Allele origin: germline.

GeneDx
Classification: Uncertain significance. Last evaluated: 2023-10-12. Review status: criteria provided, single submitter. Criteria: GeneDx Variant Classification Process June 2021. Collection method: clinical testing. Allele origin: germline. Affected: yes.
Comment: In silico analysis supports that this missense variant has a deleterious effect on protein structure/function; Has not been previously published as pathogenic or benign to our knowledge